The following is an entry in ClinVar:

ClinVar aggregate classification (germline): Conflicting classifications of pathogenicity. Review status: criteria provided, conflicting classifications (1 of 4 stars). 2 submissions from 2 submitters: Uncertain significance (1); Likely benign (1). Last evaluated 2024-08-26.

Allele frequency attached by ClinVar (database versions not stated): TOPMed below 0.00001; ExAC 0.00001; gnomAD 0.00001; gnomAD exomes 0.00001.
gnomAD v4.1: 15 of 1,614,018 alleles (0.00093%); highest among the groups gnomAD compares: South Asian, 0.015%; no homozygotes.

Submissions (2):

Labcorp Genetics (formerly Invitae), Labcorp
Classification: Uncertain significance. Last evaluated: 2024-08-26. Review status: criteria provided, single submitter. Criteria: Invitae Variant Classification Sherloc (09022015). Collection method: clinical testing. Allele origin: germline.
Comment: This sequence change replaces proline, which is neutral and non-polar, with serine, which is neutral and polar, at codon 1168 of the CDK13 protein (p.Pro1168Ser). This variant is present in population databases (rs775615603, gnomAD 0.01%). This variant has not been reported in the literature in individuals affected with CDK13-related conditions. Invitae Evidence Modeling of protein sequence and biophysical properties (such as structural, functional, and spatial information, amino acid conservation, physicochemical variation, residue mobility, and thermodynamic stability) indicates that this missense variant is not expected to disrupt CDK13 protein function with a negative predictive value of 95%. In summary, the available evidence is currently insufficient to determine the role of this variant in disease. Therefore, it has been classified as a Variant of Uncertain Significance.

CeGaT Center for Human Genetics Tuebingen
Classification: Likely benign. Last evaluated: 2024-04-01. Review status: criteria provided, single submitter. Criteria: CeGaT Center For Human Genetics Tuebingen Variant Classification Criteria Version 2. Collection method: clinical testing. Allele origin: germline. Affected: yes. Observed: 1 variant allele.
Comment: CDK13: BP4

NM_003718.5(CDK13):c.3502C>T (p.Pro1168Ser)

Gene: CDK13 (cyclin dependent kinase 13; plus strand). Cytogenetic location: 7p14.1.
Variant type: single nucleotide variant.
Coding change: c.3502C>T on transcript NM_003718.5 (MANE Select); coding-DNA position 3502, C replaced by T.
Protein change: p.Pro1168Ser; replaces proline 1168 with serine.
Molecular consequence: missense variant.
Genome position (GRCh38, 1-based): chr7:40,093,051, C>T. VCF-style: chr7-40093051-C-T. GRCh37 (hg19) VCF-style: chr7-40132650-C-T.
Other names: c.3322C>T, p.Pro1108Ser (NM_031267.4); short protein forms P1108S, P1168S.
Identifiers: ClinVar variation 3234178 (VCV003234178.22), dbSNP rs775615603, ClinGen allele CA4228952.